The following is an entry in ClinVar:

NM_000329.3(RPE65):c.1399C>A (p.Pro467Thr)

Gene: RPE65 (retinoid isomerohydrolase RPE65; minus strand). Cytogenetic location: 1p31.3.
Variant type: single nucleotide variant.
Coding change: c.1399C>A on transcript NM_000329.3 (MANE Select); coding-DNA position 1399, C replaced by A.
Protein change: p.Pro467Thr; replaces proline 467 with threonine.
Molecular consequence: missense variant.
Genome position (GRCh38, 1-based): chr1:68,431,116, G>T on the plus strand (C>A on the coding strand, the complement: RPE65 is on the minus strand). VCF-style: chr1-68431116-G-T. GRCh37 (hg19) VCF-style: chr1-68896799-G-T.
Other names: short protein forms P467T.
Identifiers: ClinVar variation 1485299 (VCV001485299.6), dbSNP rs1395763356, ClinGen allele CA340741971.

ClinVar aggregate classification (germline): Likely pathogenic (1 of 4 stars; one submission).

Conditions:
Retinitis pigmentosa 20 (RP20). Identifiers: Orphanet 791, MedGen C3151086, MONDO:0013425, OMIM 613794.
Leber congenital amaurosis 2 (LCA2). Also called: AMAUROSIS CONGENITA OF LEBER II; Autosomal Recessive RPE65-Related Retinal Degeneration. Identifiers: Orphanet 65, MedGen C1859844, MONDO:0008765, OMIM 204100. Disease mechanism: loss of function.

gnomAD v4.1: 10 of 1,613,744 alleles (0.00062%); highest among the groups gnomAD compares: Non-Finnish European, 0.00085%; no homozygotes.

Submission:

Labcorp Genetics (formerly Invitae), Labcorp
Classification: Likely pathogenic for Leber congenital amaurosis 2; Retinitis pigmentosa 20. Last evaluated: 2022-01-23. Review status: criteria provided, single submitter. Criteria: Invitae Variant Classification Sherloc (09022015). Collection method: clinical testing. Allele origin: germline.
Comment: This sequence change replaces proline, which is neutral and non-polar, with threonine, which is neutral and polar, at codon 467 of the RPE65 protein (p.Pro467Thr). Advanced modeling of protein sequence and biophysical properties (such as structural, functional, and spatial information, amino acid conservation, physicochemical variation, residue mobility, and thermodynamic stability) performed at Invitae indicates that this missense variant is expected to disrupt RPE65 protein function. This variant has not been reported in the literature in individuals affected with RPE65-related conditions. This variant is not present in population databases (gnomAD no frequency). This variant disrupts the p.Pro467 amino acid residue in RPE65. Other variant(s) that disrupt this residue have been determined to be pathogenic (PMID: 30996589, 31273949). This suggests that this residue is clinically significant, and that variants that disrupt this residue are likely to be disease-causing. In summary, the currently available evidence indicates that the variant is pathogenic, but additional data are needed to prove that conclusively. Therefore, this variant has been classified as Likely Pathogenic.

Literature cited by the submitters: PubMed 30996589; PubMed 31273949.